The following is an entry in ClinVar:

ClinVar aggregate classification (germline): Uncertain significance (1 of 4 stars; one submission).

Submission:

Labcorp Genetics (formerly Invitae), Labcorp
Classification: Uncertain significance. Last evaluated: 2025-07-29. Review status: criteria provided, single submitter. Criteria: Invitae Variant Classification Sherloc (09022015). Collection method: clinical testing. Allele origin: germline.
Comment: This sequence change replaces aspartic acid, which is acidic and polar, with asparagine, which is neutral and polar, at codon 382 of the MKL1 protein (p.Asp382Asn). This variant is not present in population databases (gnomAD no frequency). This variant has not been reported in the literature in individuals affected with MKL1-related conditions. An algorithm developed to predict the effect of missense changes on protein structure and function (PolyPhen-2) suggests that this variant is likely to be tolerated. In summary, the available evidence is currently insufficient to determine the role of this variant in disease. Therefore, it has been classified as a Variant of Uncertain Significance.

NM_020831.6(MRTFA):c.1444G>A (p.Asp482Asn)

Gene: MRTFA (myocardin related transcription factor A; minus strand). Cytogenetic location: 22q13.1.
Variant type: single nucleotide variant.
Coding change: c.1444G>A on transcript NM_020831.6 (MANE Select); coding-DNA position 1444, G replaced by A.
Protein change: p.Asp482Asn; replaces aspartic acid 482 with asparagine.
Molecular consequence: missense variant.
Genome position (GRCh38, 1-based): chr22:40,419,294, C>T on the plus strand (G>A on the coding strand, the complement: MRTFA is on the minus strand). VCF-style: chr22-40419294-C-T. GRCh37 (hg19) VCF-style: chr22-40815298-C-T.
Other names: c.1144G>A, p.Asp382Asn (NM_001282660.2); c.1294G>A, p.Asp432Asn (NM_001282661.3); c.1444G>A, p.Asp482Asn (NM_001282662.3); c.1249G>A, p.Asp417Asn (NM_001318139.2); short protein forms D382N, D417N, D432N, D482N.
Identifiers: ClinVar variation 4773458 (VCV004773458.1).